The following is an entry in ClinVar:

NM_001374385.1(ATP8B1):c.2717T>C (p.Ile906Thr)

Genes: ATP8B1 (ATPase phospholipid transporting 8B1; minus strand), ATP8B1-AS1 (ATP8B1 antisense RNA 1; plus strand). Cytogenetic location: 18q21.31.
Variant type: single nucleotide variant.
Coding change: c.2717T>C on transcript NM_001374385.1 (MANE Select); coding-DNA position 2717, T replaced by C.
Protein change: p.Ile906Thr; replaces isoleucine 906 with threonine.
Molecular consequence: missense variant.
Genome position (GRCh38, 1-based): chr18:57,655,408, A>G on the plus strand (T>C on the coding strand, the complement: ATP8B1 is on the minus strand). VCF-style: chr18-57655408-A-G. GRCh37 (hg19) VCF-style: chr18-55322640-A-G.
Other names: c.2567T>C, p.Ile856Thr (NM_001374386.1); c.2717T>C, p.Ile906Thr (NM_005603.6); short protein forms I856T, I906T.
Identifiers: ClinVar variation 4846236 (VCV004846236.1).
Genomic context (GRCh38, chr18:57,655,408, plus strand): 5'-AAGGAATAGTCACTCGACATGACAGCTTGCATTCCTTCTTGTCCACTTATTCCAACGCCA[A>G]TGTGGGCAGCTATGGGGCAGAGGGAGAAAACACTGTGGATCATAAACCGATTGTGAGGCA-3'
Protein context (NP_001361314.1, residues 896-916): NDVNMIKTAH[Ile906Thr]GVGISGQEGM

ClinVar aggregate classification (germline): Uncertain significance (1 of 4 stars; one submission).

Conditions:
Familial intrahepatic cholestasis. Identifiers: Orphanet 284385, MedGen CN296401, MONDO:0017290.

Submission:

Genomenon, Inc
Classification: Uncertain significance for Familial intrahepatic cholestasis. Last evaluated: 2026-04-14. Review status: criteria provided, single submitter. Criteria: Genomenon Sequence Variant Interpretation Standards - Updated. Collection method: curation. Allele origin: germline. Affected: yes.
Comment: ATP8B1 p.Ile906Thr (c.2717T>C) is a missense variant that changes the amino acid at residue 906 from Isoleucine to Threonine. This variant has been observed in at least one proband with features of ATP8B1-deficiency (PMID:33437900). At least one functional study has demonstrated a substantial alteration in protein function relative to the wild-type (PMID:33437900). At least one splicing study demonstrated no effect on splicing (PMID:33437900). It is absent or not present at a significant frequency in gnomAD. In silico models predict that this variant is possibly or probably damaging. In conclusion, we classify ATP8B1 p.Ile906Thr (c.2717T>C) as a variant of uncertain significance.

Literature cited by the submitters: PubMed 33437900.